The following is an entry in ClinVar:

ClinVar aggregate classification (germline): Conflicting classifications of pathogenicity. Review status: criteria provided, conflicting classifications (1 of 4 stars). 3 submissions from 3 submitters: Uncertain significance (2); Likely benign (1). Last evaluated 2026-01-26.

Conditions:
Inborn genetic diseases. Identifiers: MedGen C0950123, MeSH D030342.
Hereditary insensitivity to pain with anhidrosis (CIPA). Also called: FAMILIAL DYSAUTONOMIA, TYPE II; NTRK1 Congenital Insensitivity to Pain with Anhidrosis; NEUROPATHY, CONGENITAL SENSORY, WITH ANHIDROSIS; INSENSITIVITY TO PAIN, CONGENITAL, WITH ANHIDROSIS; HSAN Type IV; hereditary sensory and autonomic neuropathy type 4. Identifiers: Orphanet 642, MedGen C0020074, MONDO:0009746, OMIM 256800.

Allele frequency attached by ClinVar (database versions not stated): gnomAD exomes 0.00002; gnomAD 0.00003; TOPMed 0.00004; ExAC 0.00011.
gnomAD v4.1: 27 of 1,581,422 alleles (0.0017%); highest among the groups gnomAD compares: African/African-American, 0.011%; no homozygotes.

Submissions (3):

Labcorp Genetics (formerly Invitae), Labcorp
Classification: Likely benign for Hereditary insensitivity to pain with anhidrosis. Last evaluated: 2026-01-26. Review status: criteria provided, single submitter. Criteria: Invitae Variant Classification Sherloc (09022015). Collection method: clinical testing. Allele origin: germline.

GeneDx
Classification: Uncertain significance. Last evaluated: 2025-06-26. Review status: criteria provided, single submitter. Criteria: GeneDx Variant Classification Process June 2021. Collection method: clinical testing. Allele origin: germline. Affected: yes.
Comment: In silico analysis supports that this missense variant has a deleterious effect on protein structure/function; Has not been previously published as pathogenic or benign to our knowledge

Ambry Genetics
Classification: Uncertain significance for Inborn genetic diseases. Last evaluated: 2025-01-28. Review status: criteria provided, single submitter. Criteria: Ambry Variant Classification Scheme 2023. Collection method: clinical testing. Allele origin: germline.

NM_002529.4(NTRK1):c.2230C>T (p.Arg744Cys)

Gene: NTRK1 (neurotrophic receptor tyrosine kinase 1; plus strand). Cytogenetic location: 1q23.1.
Variant type: single nucleotide variant.
Coding change: c.2230C>T on transcript NM_002529.4 (MANE Select); coding-DNA position 2230, C replaced by T.
Protein change: p.Arg744Cys; replaces arginine 744 with cysteine.
Molecular consequence: missense variant.
Genome position (GRCh38, 1-based): chr1:156,881,481, C>T. VCF-style: chr1-156881481-C-T. GRCh37 (hg19) VCF-style: chr1-156851273-C-T.
Other names: c.2230C>T, p.Arg744Cys (NM_001007204.1); c.2122C>T, p.Arg708Cys (NM_001007792.1); c.2212C>T, p.Arg738Cys (NM_001012331.2); short protein forms R738C, R708C, R744C.
Identifiers: ClinVar variation 2055618 (VCV002055618.6), dbSNP rs763591781, ClinGen allele CA1169609.
Genomic context (GRCh38, chr1:156,881,481, plus strand): 5'-AGTGGGCTTTCTCCTCTGTCTCTCCGGTGGCCCCAGGCAATCGACTGCATCACGCAGGGA[C>T]GTGAGTTGGAGCGGCCACGTGCCTGCCCACCAGAGGTCTACGCCATCATGCGGGGCTGCT-3'
Protein context (NP_002520.2, residues 734-754): TEAIDCITQG[Arg744Cys]ELERPRACPP